The following is an entry in ClinVar:

NM_181507.2(HPS5):c.211T>C (p.Ser71Pro)

Gene: HPS5 (HPS5 biogenesis of lysosomal organelles complex 2 subunit 2; minus strand). Cytogenetic location: 11p15.1.
Variant type: single nucleotide variant.
Coding change: c.211T>C on transcript NM_181507.2 (MANE Select); coding-DNA position 211, T replaced by C.
Protein change: p.Ser71Pro; replaces serine 71 with proline.
Molecular consequence: missense variant. On other transcripts: 5 prime UTR variant (1).
Genome position (GRCh38, 1-based): chr11:18,311,922, A>G on the plus strand (T>C on the coding strand, the complement: HPS5 is on the minus strand). VCF-style: chr11-18311922-A-G. GRCh37 (hg19) VCF-style: chr11-18333469-A-G.
Other names: c.-132T>C (NM_007216.4, NM_181508.2); short protein forms S71P.
Identifiers: ClinVar variation 3907459 (VCV003907459.2).

ClinVar aggregate classification (germline): Uncertain significance. Review status: criteria provided, multiple submitters, no conflicts (2 of 4 stars). 2 submissions from 2 submitters: Uncertain significance (2). Last evaluated 2025-08-09.

Conditions:
Inborn genetic diseases. Identifiers: MedGen C0950123, MeSH D030342.

gnomAD v4.1: 1 of 1,609,580 alleles (0.000062%); highest among the groups gnomAD compares: Admixed American, 0.0017%; no homozygotes.

Submissions (2):

Ambry Genetics
Classification: Uncertain significance for Inborn genetic diseases. Last evaluated: 2025-08-09. Review status: criteria provided, single submitter. Criteria: Ambry Variant Classification Scheme 2023. Collection method: clinical testing. Allele origin: germline.

Women's Health and Genetics/Laboratory Corporation of America, LabCorp
Classification: Uncertain significance. Last evaluated: 2025-06-02. Review status: criteria provided, single submitter. Criteria: LabCorp Variant Classification Summary - May 2015. Collection method: clinical testing. Allele origin: germline.
Comment: Variant summary: HPS5 c.211T>C (p.Ser71Pro) results in a non-conservative amino acid change in the encoded protein sequence. Algorithms developed to predict the effect of missense changes on protein structure and function are either unavailable or do not agree on the potential impact of this missense change. The variant allele was found at a frequency of 4e-06 in 251492 control chromosomes. The available data on variant occurrences in the general population are insufficient to allow any conclusion about variant significance. To our knowledge, no occurrence of c.211T>C in individuals affected with Hermansky-Pudlak Syndrome and no experimental evidence demonstrating its impact on protein function have been reported. No submitters have cited clinical-significance assessments for this variant to ClinVar. Based on the evidence outlined above, the variant was classified as uncertain significance.